The following is an entry in ClinVar:

NM_001875.5(CPS1):c.4412A>T (p.Lys1471Ile)

Gene: CPS1 (carbamoyl-phosphate synthase 1; plus strand). Cytogenetic location: 2q34.
Variant type: single nucleotide variant.
Coding change: c.4412A>T on transcript NM_001875.5 (MANE Select); coding-DNA position 4412, A replaced by T.
Protein change: p.Lys1471Ile; replaces lysine 1471 with isoleucine.
Molecular consequence: missense variant. On other transcripts: non-coding transcript variant (2).
Genome position (GRCh38, 1-based): chr2:210,677,894, A>T. VCF-style: chr2-210677894-A-T. GRCh37 (hg19) VCF-style: chr2-211542618-A-T.
Other names: c.4412A>T, p.Lys1471Ile (NM_001122633.3, NM_001369257.1); c.4445A>T, p.Lys1482Ile (NM_001369256.1); short protein forms K1471I, K1482I.
Identifiers: ClinVar variation 969823 (VCV000969823.6), dbSNP rs762221038, ClinGen allele CA350441182.

ClinVar aggregate classification (germline): Uncertain significance (1 of 4 stars; one submission).

Conditions:
Congenital hyperammonemia, type I. Also called: CPS I DEFICIENCY; Carbamoyl-phosphate synthase I deficiency; Carbamoyl phosphate synthetase 1 deficiency; Hyperammonemia due to carbamoyl phosphate synthetase 1 deficiency; CPS 1 deficiency; Carbamyl phosphate synthetase (CPS) deficiency. Identifiers: Orphanet 147, MedGen C4082171, MONDO:0009376, OMIM 237300.

Allele frequency attached by ClinVar (database versions not stated): TOPMed 0.00001.
gnomAD v4.1: 3 of 1,613,872 alleles (0.00019%); highest among the groups gnomAD compares: African/African-American, 0.0013%; no homozygotes.

Submission:

Labcorp Genetics (formerly Invitae), Labcorp
Classification: Uncertain significance for Congenital hyperammonemia, type I. Last evaluated: 2021-08-30. Review status: criteria provided, single submitter. Criteria: Invitae Variant Classification Sherloc (09022015). Collection method: clinical testing. Allele origin: germline.
Comment: This sequence change replaces lysine with isoleucine at codon 1471 of the CPS1 protein (p.Lys1471Ile). The lysine residue is moderately conserved and there is a moderate physicochemical difference between lysine and isoleucine. This variant is not present in population databases (ExAC no frequency). This variant has not been reported in the literature in individuals affected with CPS1-related conditions. Algorithms developed to predict the effect of missense changes on protein structure and function (SIFT, PolyPhen-2, Align-GVGD) all suggest that this variant is likely to be tolerated. In summary, the available evidence is currently insufficient to determine the role of this variant in disease. Therefore, it has been classified as a Variant of Uncertain Significance.